The following is an entry in ClinVar:

NM_025099.6(CTC1):c.2611G>A (p.Val871Met)

Gene: CTC1 (CST telomere replication complex component 1; minus strand). Cytogenetic location: 17p13.1.
Variant type: single nucleotide variant.
Coding change: c.2611G>A on transcript NM_025099.6 (MANE Select); coding-DNA position 2611, G replaced by A.
Protein change: p.Val871Met; replaces valine 871 with methionine.
Molecular consequence: missense variant. On other transcripts: non-coding transcript variant (1).
Genome position (GRCh38, 1-based): chr17:8,231,334, C>T on the plus strand (G>A on the coding strand, the complement: CTC1 is on the minus strand). VCF-style: chr17-8231334-C-T. GRCh37 (hg19) VCF-style: chr17-8134652-C-T.
Other names: short protein forms V871M.
Identifiers: ClinVar variation 30997 (VCV000030997.7), dbSNP rs369255297, ClinGen allele CA129609.

ClinVar aggregate classification (germline): Uncertain significance. Review status: criteria provided, single submitter (1 of 4 stars). 2 submissions from 2 submitters: Uncertain significance (1). 1 of the submissions does not count toward it. Last evaluated 2021-03-13.

Conditions:
Cerebroretinal microangiopathy with calcifications and cysts 1 (CRMCC1). Identifiers: Orphanet 313838, MedGen C4552029, MONDO:0024564, OMIM 612199.
Dyskeratosis congenita. Identifiers: Orphanet 1775, MedGen C0265965, MONDO:0015780.

Allele frequency attached by ClinVar (database versions not stated): gnomAD exomes 0.00001 and 0.00003; ExAC 0.00004; TOPMed 0.00004; gnomAD 0.00006 and 0.00007; ESP Exome Variant Server 0.00016.
gnomAD v4.1: 16 of 1,608,248 alleles (0.00099%); highest among the groups gnomAD compares: African/African-American, 0.02%; no homozygotes.

Submissions (2):

Labcorp Genetics (formerly Invitae), Labcorp
Classification: Uncertain significance for Dyskeratosis congenita. Last evaluated: 2021-03-13. Review status: criteria provided, single submitter. Criteria: Invitae Variant Classification Sherloc (09022015). Collection method: clinical testing. Allele origin: germline.
Comment: In summary, the available evidence is currently insufficient to determine the role of this variant in disease. Therefore, it has been classified as a Variant of Uncertain Significance. This variant has been reported to have conflicting or insufficient data to determine the effect on CTC1 protein function (PMID: 24115768, 29228254, 29481669, 23869908). This variant has been observed in individual(s) with Coats plus syndrome (PMID: 22267198). This variant is also known as V866M in the literature. ClinVar contains an entry for this variant (Variation ID: 30997). This variant is present in population databases (rs369255297, ExAC 0.05%). This sequence change replaces valine with methionine at codon 871 of the CTC1 protein (p.Val871Met). The valine residue is moderately conserved and there is a small physicochemical difference between valine and methionine.

OMIM
Classification: Pathogenic for CEREBRORETINAL MICROANGIOPATHY WITH CALCIFICATIONS AND CYSTS 1. Last evaluated: 2012-01-22. Review status: no assertion criteria provided. Collection method: literature only. Allele origin: germline. Not counted in ClinVar's aggregate classification.

Literature cited by the submitters: PubMed 24115768 (cited by Labcorp Genetics (formerly Invitae), Labcorp); PubMed 29228254 (cited by Labcorp Genetics (formerly Invitae), Labcorp); PubMed 29481669 (cited by Labcorp Genetics (formerly Invitae), Labcorp); PubMed 23869908 (cited by Labcorp Genetics (formerly Invitae), Labcorp); PubMed 22267198 (cited by Labcorp Genetics (formerly Invitae), Labcorp and OMIM).